The following is an entry in ClinVar:

NM_001143986.2(TLE6):c.1269A>G (p.Gly423=)

Gene: TLE6 (TLE family member 6, subcortical maternal complex member; plus strand). Cytogenetic location: 19p13.3.
Variant type: single nucleotide variant.
Coding change: c.1269A>G on transcript NM_001143986.2 (MANE Select); coding-DNA position 1269, A replaced by G.
Protein change: p.Gly423=; no amino-acid change (glycine 423 retained).
Molecular consequence: synonymous variant.
Genome position (GRCh38, 1-based): chr19:2,991,867, A>G. VCF-style: chr19-2991867-A-G. GRCh37 (hg19) VCF-style: chr19-2991865-A-G.
Other names: c.900A>G, p.Gly300= (NM_024760.3).
Identifiers: ClinVar variation 3046348 (VCV003046348.2), dbSNP rs147020368, ClinGen allele CA9073033.

ClinVar aggregate classification (germline): Likely benign (0 of 4 stars; one submission).

Conditions:
TLE6-related disorder. Also called: TLE6-related condition.

Allele frequency attached by ClinVar (database versions not stated): gnomAD exomes 0.00004; ExAC 0.00013; ESP Exome Variant Server 0.00031; gnomAD 0.00036; TOPMed 0.00039; 1000 Genomes Project 0.00040; 1000 Genomes Project 30x 0.00062.
gnomAD v4.1: 113 of 1,613,642 alleles (0.007%); highest among the groups gnomAD compares: African/African-American, 0.14%; 1 homozygote.

Submission:

PreventionGenetics, part of Exact Sciences
Classification: Likely benign for TLE6-related condition. Last evaluated: 2019-03-06. Review status: no assertion criteria provided. Collection method: clinical testing. Allele origin: germline.
Comment: This variant is classified as likely benign based on ACMG/AMP sequence variant interpretation guidelines (Richards et al. 2015 PMID: 25741868, with internal and published modifications).